The following is an entry in ClinVar:

NM_000271.5(NPC1):c.7G>A (p.Ala3Thr)

Gene: NPC1 (NPC intracellular cholesterol transporter 1; minus strand). Cytogenetic location: 18q11.2.
Variant type: single nucleotide variant.
Coding change: c.7G>A on transcript NM_000271.5 (MANE Select); coding-DNA position 7, G replaced by A.
Protein change: p.Ala3Thr; replaces alanine 3 with threonine.
Molecular consequence: missense variant.
Genome position (GRCh38, 1-based): chr18:23,586,337, C>T on the plus strand (G>A on the coding strand, the complement: NPC1 is on the minus strand). VCF-style: chr18-23586337-C-T. GRCh37 (hg19) VCF-style: chr18-21166301-C-T.
Other names: short protein forms A3T.
Identifiers: ClinVar variation 555997 (VCV000555997.14), dbSNP rs752896980, ClinGen allele CA8913845.
Genomic context (GRCh38, chr18:23,586,337, plus strand): 5'-GACCGCTCACCTGCGCTGGACACAGTAGCAGCAGGAGGAGGCCAAGGGCCAGGCCGCGAG[C>T]GGTCATGCTGTGGCCGCGCAAGGCTGCTGACGCCGGCGGCGTTCGGCTGGTTGGGCTCCC-3'
Protein context (NP_000262.2, residues 1-13): MT[Ala3Thr]RGLALGLLLL

ClinVar aggregate classification (germline): Uncertain significance. Review status: criteria provided, multiple submitters, no conflicts (2 of 4 stars). 7 submissions from 7 submitters: Uncertain significance (4). 3 of the submissions do not count toward it. Last evaluated 2024-12-24.

Conditions:
NPC1-related disorder. Also called: NPC1-related condition.
Niemann-Pick disease, type C1. Also called: NIEMANN-PICK DISEASE, VARIANT TYPE C1; NEUROVISCERAL STORAGE DISEASE WITH VERTICAL SUPRANUCLEAR OPHTHALMOPLEGIA; NIEMANN-PICK DISEASE WITH CHOLESTEROL ESTERIFICATION BLOCK; NIEMANN-PICK DISEASE WITHOUT SPHINGOMYELINASE DEFICIENCY; NIEMANN-PICK DISEASE, CHRONIC NEURONOPATHIC FORM. Identifiers: Orphanet 646, MedGen C3179455, MONDO:0009757, OMIM 257220.

Allele frequency attached by ClinVar (database versions not stated): ExAC below 0.00001; gnomAD exomes 0.00002; gnomAD 0.00007 and 0.00008; TOPMed 0.00012.
gnomAD v4.1: 274 of 1,533,936 alleles (0.018%); highest among the groups gnomAD compares: Middle Eastern, 0.068%; no homozygotes.

Submissions (7):

Labcorp Genetics (formerly Invitae), Labcorp
Classification: Uncertain significance for Niemann-Pick disease, type C1. Last evaluated: 2024-12-24. Review status: criteria provided, single submitter. Criteria: Invitae Variant Classification Sherloc (09022015). Collection method: clinical testing. Allele origin: germline.
Comment: This sequence change replaces alanine, which is neutral and non-polar, with threonine, which is neutral and polar, at codon 3 of the NPC1 protein (p.Ala3Thr). This variant is present in population databases (rs752896980, gnomAD 0.008%). This missense change has been observed in individual(s) with Niemann-Pick Type C (PMID: 32931663). ClinVar contains an entry for this variant (Variation ID: 555997). Invitae Evidence Modeling of protein sequence and biophysical properties (such as structural, functional, and spatial information, amino acid conservation, physicochemical variation, residue mobility, and thermodynamic stability) indicates that this missense variant is not expected to disrupt NPC1 protein function with a negative predictive value of 95%. In summary, the available evidence is currently insufficient to determine the role of this variant in disease. Therefore, it has been classified as a Variant of Uncertain Significance.

GeneDx
Classification: Uncertain significance. Last evaluated: 2024-09-13. Review status: criteria provided, single submitter. Criteria: GeneDx Variant Classification Process June 2021. Collection method: clinical testing. Allele origin: germline. Affected: yes.
Comment: In silico analysis indicates that this missense variant does not alter protein structure/function; Not observed at significant frequency in large population cohorts (gnomAD); This variant is associated with the following publications: (PMID: 18081003, 32931663)

Fulgent Genetics
Classification: Uncertain significance for Niemann-Pick disease, type C1. Last evaluated: 2022-02-14. Review status: criteria provided, single submitter. Criteria: ACMG Guidelines, 2015. Collection method: clinical testing. Allele origin: unknown.

Eurofins Ntd Llc (ga)
Classification: Uncertain significance. Last evaluated: 2017-08-22. Review status: criteria provided, single submitter. Criteria: EGL Classification Definitions 2015. Collection method: clinical testing. Allele origin: germline. Observed: 1 variant allele, 1 heterozygote.

PreventionGenetics, part of Exact Sciences
Classification: Uncertain significance for NPC1-related condition. Last evaluated: 2024-09-10. Review status: no assertion criteria provided. Collection method: clinical testing. Allele origin: germline. Not counted in ClinVar's aggregate classification.
Comment: The NPC1 c.7G>A variant is predicted to result in the amino acid substitution p.Ala3Thr. This variant has been reported in an individual with Niemann-Pick type C, along with a second variant in NPC1 (Encarnação et al. 2020. PubMed ID: 32931663). This variant is reported in 0.0079% of alleles in individuals of European (Non-Finnish) descent in gnomAD. At this time, the clinical significance of this variant is uncertain due to the absence of conclusive functional and genetic evidence.

Natera, Inc.
Classification: Uncertain significance for Niemann-Pick disease type C1. Last evaluated: 2020-04-03. Review status: no assertion criteria provided. Collection method: clinical testing. Allele origin: germline. Not counted in ClinVar's aggregate classification.

Counsyl
Classification: Uncertain significance for Niemann-Pick disease, type C1. Last evaluated: 2018-01-05. Review status: no assertion criteria provided. Collection method: clinical testing. Allele origin: unknown. Not counted in ClinVar's aggregate classification.

Literature cited by the submitters: PubMed 32931663 (cited by Labcorp Genetics (formerly Invitae), Labcorp); PubMed 18081003 (cited by Counsyl).